The following is an entry in ClinVar:

NM_001303256.3(MORC2):c.470C>G (p.Pro157Arg)

Gene: MORC2 (MORC family CW-type zinc finger 2; minus strand). Cytogenetic location: 22q12.2.
Variant type: single nucleotide variant.
Coding change: c.470C>G on transcript NM_001303256.3 (MANE Select); coding-DNA position 470, C replaced by G.
Protein change: p.Pro157Arg; replaces proline 157 with arginine.
Molecular consequence: missense variant.
Genome position (GRCh38, 1-based): chr22:30,942,228, G>C on the plus strand (C>G on the coding strand, the complement: MORC2 is on the minus strand). VCF-style: chr22-30942228-G-C. GRCh37 (hg19) VCF-style: chr22-31338215-G-C.
Other names: c.470C>G, p.Pro157Arg (NM_001303257.2); c.284C>G, p.Pro95Arg (NM_014941.3); short protein forms P95R, P157R.
Identifiers: ClinVar variation 839937 (VCV000839937.12), dbSNP rs370868047, ClinGen allele CA10187237.

ClinVar aggregate classification (germline): Uncertain significance. Review status: criteria provided, multiple submitters, no conflicts (2 of 4 stars). 2 submissions from 2 submitters: Uncertain significance (2). Last evaluated 2025-06-15.

Conditions:
Inborn genetic diseases. Identifiers: MedGen C0950123, MeSH D030342.
Charcot-Marie-Tooth disease axonal type 2Z. Also called: CHARCOT-MARIE-TOOTH DISEASE, AXONAL, AUTOSOMAL DOMINANT, TYPE 2Z; CHARCOT-MARIE-TOOTH NEUROPATHY, TYPE 2Z. Identifiers: Orphanet 466768, MedGen C5569025, MONDO:0014736, OMIM 616688.

Allele frequency attached by ClinVar (database versions not stated): gnomAD exomes below 0.00001 and 0.00001; ExAC 0.00001; gnomAD 0.00001; TOPMed 0.00002; ESP Exome Variant Server 0.00008.
gnomAD v4.1: 28 of 1,613,746 alleles (0.0017%); highest among the groups gnomAD compares: Non-Finnish European, 0.0019%; no homozygotes.

Submissions (2):

Labcorp Genetics (formerly Invitae), Labcorp
Classification: Uncertain significance for Charcot-Marie-Tooth disease axonal type 2Z. Last evaluated: 2025-06-15. Review status: criteria provided, single submitter. Criteria: Invitae Variant Classification Sherloc (09022015). Collection method: clinical testing. Allele origin: germline.
Comment: This sequence change replaces proline, which is neutral and non-polar, with arginine, which is basic and polar, at codon 157 of the MORC2 protein (p.Pro157Arg). This variant is present in population databases (rs370868047, gnomAD 0.0009%). This variant has not been reported in the literature in individuals affected with MORC2-related conditions. ClinVar contains an entry for this variant (Variation ID: 839937). Invitae Evidence Modeling of protein sequence and biophysical properties (such as structural, functional, and spatial information, amino acid conservation, physicochemical variation, residue mobility, and thermodynamic stability) indicates that this missense variant is expected to disrupt MORC2 protein function with a positive predictive value of 95%. In summary, the available evidence is currently insufficient to determine the role of this variant in disease. Therefore, it has been classified as a Variant of Uncertain Significance.

Ambry Genetics
Classification: Uncertain significance for Inborn genetic diseases. Last evaluated: 2021-02-09. Review status: criteria provided, single submitter. Criteria: Ambry Variant Classification Scheme 2023. Collection method: clinical testing. Allele origin: germline.
Comment: The p.P157R variant (also known as c.470C>G), located in coding exon 7 of the MORC2 gene, results from a C to G substitution at nucleotide position 470. The proline at codon 157 is replaced by arginine, an amino acid with dissimilar properties. This amino acid position is highly conserved in available vertebrate species. In addition, the in silico prediction for this alteration is inconclusive. Since supporting evidence is limited at this time, the clinical significance of this alteration remains unclear.